The following is an entry in ClinVar:

ClinVar aggregate classification (germline): Uncertain significance. Review status: criteria provided, multiple submitters, no conflicts (2 of 4 stars). 2 submissions from 2 submitters: Uncertain significance (2). Last evaluated 2026-08-06.

Conditions:
Pitt-Hopkins syndrome (PTHS). Also called: ENCEPHALOPATHY, SEVERE EPILEPTIC, WITH AUTONOMIC DYSFUNCTION; MENTAL RETARDATION, SYNDROMAL, WITH INTERMITTENT HYPERVENTILATION. Identifiers: Orphanet 2896, MedGen C1970431, MONDO:0012589, OMIM 610954.

Submissions (2):

OLLIN Analises Genomicas, OLLIN
Classification: Uncertain significance. Last evaluated: 2026-08-06. Review status: criteria provided, single submitter. Criteria: ACMG Guidelines 2015 PMID 25741868. Collection method: clinical testing. Allele origin: germline.
Comment: This missense variant, located in exon 13 (of 20), is absent from gnomAD and has not been identified in the literature. However, it has been reported in ClinVar (accession VCV002648734.23). In silico analysis predicts that this variant has a tolerated effect. According to the currently available evidence, this variant has been classified as uncertain significance (PM2_P, BP4).

Labcorp Genetics (formerly Invitae), Labcorp
Classification: Uncertain significance for Pitt-Hopkins syndrome. Last evaluated: 2022-07-05. Review status: criteria provided, single submitter. Criteria: Invitae Variant Classification Sherloc (09022015). Collection method: clinical testing. Allele origin: germline.
Comment: This sequence change replaces proline, which is neutral and non-polar, with serine, which is neutral and polar, at codon 353 of the TCF4 protein (p.Pro353Ser). In summary, the available evidence is currently insufficient to determine the role of this variant in disease. Therefore, it has been classified as a Variant of Uncertain Significance. Algorithms developed to predict the effect of missense changes on protein structure and function (SIFT, PolyPhen-2, Align-GVGD) all suggest that this variant is likely to be tolerated. ClinVar contains an entry for this variant (Variation ID: 1523914). This variant has not been reported in the literature in individuals affected with TCF4-related conditions. This variant is not present in population databases (gnomAD no frequency).

NM_001083962.2(TCF4):c.1057C>T (p.Pro353Ser)

Gene: TCF4 (transcription factor 4; minus strand). Cytogenetic location: 18q21.2.
Variant type: single nucleotide variant.
Coding change: c.1057C>T on transcript NM_001083962.2 (MANE Select); coding-DNA position 1057, C replaced by T.
Protein change: p.Pro353Ser; replaces proline 353 with serine.
Molecular consequence: missense variant.
Genome position (GRCh38, 1-based): chr18:55,259,961, G>A on the plus strand (C>T on the coding strand, the complement: TCF4 is on the minus strand). VCF-style: chr18-55259961-G-A. GRCh37 (hg19) VCF-style: chr18-52927192-G-A.
Other names: c.1363C>T, p.Pro455Ser (NM_001243226.3); c.985C>T, p.Pro329Ser (NM_001243227.2, NM_001348217.1, NM_001348218.2 and 9 more transcripts); c.1075C>T, p.Pro359Ser (NM_001243228.2); c.1051C>T, p.Pro351Ser (NM_001243230.2); c.931C>T, p.Pro311Ser (NM_001243231.2, NM_001348211.2); c.844C>T, p.Pro282Ser (NM_001243232.1, NM_001306208.1); c.667C>T, p.Pro223Ser (NM_001243233.2, NM_001330605.3, NM_001348212.2 and 1 more transcripts); c.577C>T, p.Pro193Ser (NM_001243234.2, NM_001243235.2, NM_001243236.2 and 2 more transcripts); and 4 more; short protein forms P352S, P329S, P359S, P137S, P328S, P351S, P193S, P223S.
Identifiers: ClinVar variation 1523914 (VCV001523914.7), dbSNP rs1284661237, ClinGen allele CA402534752.